The following is an entry in ClinVar:

ClinVar aggregate classification (germline): Uncertain significance (1 of 4 stars; one submission).

Conditions:
46,XY sex reversal 1. Also called: SRY-related 46,XY complete gonadal dysgenesis; 46,XY SEX REVERSAL, SRY-RELATED. Identifiers: Orphanet 242, MedGen C2748896, MONDO:0020712, OMIM 400044.

Submission:

Labcorp Genetics (formerly Invitae), Labcorp
Classification: Uncertain significance for 46,XY sex reversal 1. Last evaluated: 2025-05-06. Review status: criteria provided, single submitter. Criteria: Invitae Variant Classification Sherloc (09022015). Collection method: clinical testing. Allele origin: germline.
Comment: This sequence change replaces proline, which is neutral and non-polar, with arginine, which is basic and polar, at codon 63 of the SRY protein (p.Pro63Arg). The frequency data for this variant in the population databases is considered unreliable, as metrics indicate insufficient coverage at this position in the gnomAD database. This missense change has been observed in individual(s) with disorders of sex development (internal data). An algorithm developed to predict the effect of missense changes on protein structure and function (PolyPhen-2) suggests that this variant is likely to be disruptive. This variant disrupts the p.Pro63 amino acid residue in SRY. Other variant(s) that disrupt this residue have been observed in individuals with SRY-related conditions (PMID: 36631813), which suggests that this may be a clinically significant amino acid residue. In summary, the available evidence is currently insufficient to determine the role of this variant in disease. Therefore, it has been classified as a Variant of Uncertain Significance.

Literature cited by the submitters: PubMed 36631813.

NM_003140.3(SRY):c.188C>G (p.Pro63Arg)

Gene: SRY (sex determining region Y; minus strand). Cytogenetic location: Yp11.2.
Variant type: single nucleotide variant.
Coding change: c.188C>G on transcript NM_003140.3 (MANE Select); coding-DNA position 188, C replaced by G.
Protein change: p.Pro63Arg; replaces proline 63 with arginine.
Molecular consequence: missense variant.
Genome position (GRCh38, 1-based): chrY:2,787,416, G>C on the plus strand (C>G on the coding strand, the complement: SRY is on the minus strand). VCF-style: chrY-2787416-G-C. GRCh37 (hg19) VCF-style: chrY-2655457-G-C.
Other names: short protein forms P63R.
Identifiers: ClinVar variation 4719035 (VCV004719035.1).